The following is an entry in ClinVar:

NM_001735.3(C5):c.2293A>G (p.Ile765Val)

Gene: C5 (complement C5; minus strand). Cytogenetic location: 9q33.2.
Variant type: single nucleotide variant.
Coding change: c.2293A>G on transcript NM_001735.3 (MANE Select); coding-DNA position 2293, A replaced by G.
Protein change: p.Ile765Val; replaces isoleucine 765 with valine.
Molecular consequence: missense variant.
Genome position (GRCh38, 1-based): chr9:121,008,463, T>C on the plus strand (A>G on the coding strand, the complement: C5 is on the minus strand). VCF-style: chr9-121008463-T-C. GRCh37 (hg19) VCF-style: chr9-123770741-T-C.
Other names: c.2311A>G, p.Ile771Val (NM_001317163.2); c.2293A>G, p.Ile765Val (NM_001317164.2); short protein forms I765V, I771V.
Identifiers: ClinVar variation 1315895 (VCV001315895.9), dbSNP rs202230425, ClinGen allele CA5217811.

ClinVar aggregate classification (germline): Uncertain significance. Review status: criteria provided, multiple submitters, no conflicts (2 of 4 stars). 4 submissions from 4 submitters: Uncertain significance (4). Last evaluated 2025-10-21.

Allele frequency attached by ClinVar (database versions not stated): ExAC 0.00005; gnomAD exomes 0.00006 and 0.00027; ESP Exome Variant Server 0.00008; TOPMed 0.00012; gnomAD 0.00014.

Submissions (4):

Labcorp Genetics (formerly Invitae), Labcorp
Classification: Uncertain significance. Last evaluated: 2025-10-21. Review status: criteria provided, single submitter. Criteria: Invitae Variant Classification Sherloc (09022015). Collection method: clinical testing. Allele origin: germline.
Comment: This sequence change replaces isoleucine, which is neutral and non-polar, with valine, which is neutral and non-polar, at codon 765 of the C5 protein (p.Ile765Val). This variant is present in population databases (rs202230425, gnomAD 0.01%). This variant has not been reported in the literature in individuals affected with C5-related conditions. ClinVar contains an entry for this variant (Variation ID: 1315895). Invitae Evidence Modeling of protein sequence and biophysical properties (such as structural, functional, and spatial information, amino acid conservation, physicochemical variation, residue mobility, and thermodynamic stability) indicates that this missense variant is not expected to disrupt C5 protein function with a negative predictive value of 80%. In summary, the available evidence is currently insufficient to determine the role of this variant in disease. Therefore, it has been classified as a Variant of Uncertain Significance.

GeneDx
Classification: Uncertain significance. Last evaluated: 2025-02-16. Review status: criteria provided, single submitter. Criteria: GeneDx Variant Classification Process June 2021. Collection method: clinical testing. Allele origin: germline. Affected: yes.
Comment: In silico analysis indicates that this missense variant does not alter protein structure/function; Has not been previously published as pathogenic or benign to our knowledge

Blueprint Genetics
Classification: Uncertain significance. Last evaluated: 2024-08-07. Review status: criteria provided, single submitter. Criteria: ACMG Guidelines, 2015. Collection method: clinical testing. Allele origin: germline.

Ambry Genetics
Classification: Uncertain significance. Last evaluated: 2021-09-27. Review status: criteria provided, single submitter. Criteria: Ambry Variant Classification Scheme 2023. Collection method: clinical testing. Allele origin: germline.